The following is an entry in ClinVar:

ClinVar aggregate classification (germline): Likely pathogenic (1 of 4 stars; one submission).

Conditions:
Neurodevelopmental disorder with or without early-onset generalized epilepsy. Identifiers: MedGen C5436914, MONDO:0030930, OMIM 619157.

Submission:

3billion
Classification: Likely pathogenic for Neurodevelopmental disorder with or without early-onset generalized epilepsy. Last evaluated: 2023-06-12. Review status: criteria provided, single submitter. Criteria: ACMG Guidelines, 2015. Collection method: clinical testing. Allele origin: germline. Affected: yes.
Comment: The variant is not observed in the gnomAD v2.1.1 dataset. Predicted Consequence/Location: Stop-gained (nonsense): predicted to result in a loss or disruption of normal protein function through nonsense-mediated decay (NMD) or protein truncation. Multiple pathogenic variants are reported downstream of the variant. Therefore, this variant is classified as Likely pathogenic according to the recommendation of ACMG/AMP guideline.

NM_001385012.1(NBEA):c.5755G>T (p.Gly1919Ter)

Gene: NBEA (neurobeachin; plus strand). Cytogenetic location: 13q13.3.
Variant type: single nucleotide variant.
Coding change: c.5755G>T on transcript NM_001385012.1 (MANE Select); coding-DNA position 5755, G replaced by T.
Protein change: p.Gly1919Ter; replaces glycine 1919 with a stop codon.
Molecular consequence: nonsense.
Genome position (GRCh38, 1-based): chr13:35,232,598, G>T. VCF-style: chr13-35232598-G-T. GRCh37 (hg19) VCF-style: chr13-35806735-G-T.
Other names: c.5746G>T, p.Gly1916Ter (NM_001379245.1); c.5755G>T, p.Gly1919Ter (NM_015678.5); short protein forms G1916*, G1919*.
Identifiers: ClinVar variation 3775412 (VCV003775412.1).
Genomic context (GRCh38, chr13:35,232,598, plus strand): 5'-CTTCGTGAAATTTTTGTAGACTTTGCCCCATTCCTATCTCGTACACTTCTTGGCAGTCAT[G>T]GACAAGAGCTATTGATAGAAGGTATGATTTCTCTATTATAATTATTTTAGTTTCCTATAA-3'